The following is an entry in ClinVar:

NM_000106.6(CYP2D6):c.368G>T (p.Arg123Leu)

Gene: CYP2D6 (cytochrome P450 family 2 subfamily D member 6 (gene/pseudogene); minus strand). Cytogenetic location: 22q13.2.
Variant type: single nucleotide variant.
Coding change: c.368G>T on transcript NM_000106.6 (MANE Select); coding-DNA position 368, G replaced by T.
Protein change: p.Arg123Leu; replaces arginine 123 with leucine.
Molecular consequence: missense variant. On other transcripts: intron variant (1).
Genome position (GRCh38, 1-based): chr22:42,129,170, C>A on the plus strand (G>T on the coding strand, the complement: CYP2D6 is on the minus strand). VCF-style: chr22-42129170-C-A. GRCh37 (hg19) VCF-style: chr22-42525172-C-A.
Other names: c.368G>T, p.Arg123Leu (LRG_303t1); c.353-226G>T (NM_001025161.3); short protein forms R123L.
Identifiers: ClinVar variation 183248 (VCV000183248.3), dbSNP rs373000587, ClinGen allele CA235495.

ClinVar aggregate classification (germline): drug response (0 of 4 stars; one submission).

Allele frequency attached by ClinVar (database versions not stated): ESP Exome Variant Server 0.00008; gnomAD 0.00010 and 0.00011; TOPMed 0.00010.

Submission:

Center for Pediatric Genomic Medicine, Children's Mercy Hospital and Clinics
Classification: drug response. Review status: no assertion criteria provided. Collection method: not provided. Allele origin: unknown.
Comment: Local ID are assigned based on location in M33388 CYP2D6
ClinVar note: Converted during submission from drug-response to drug response.